The following is an entry in ClinVar:

NM_006157.5(NELL1):c.1576G>A (p.Gly526Ser)

Gene: NELL1 (neural EGFL like 1; plus strand). Cytogenetic location: 11p15.1.
Variant type: single nucleotide variant.
Coding change: c.1576G>A on transcript NM_006157.5 (MANE Select); coding-DNA position 1576, G replaced by A.
Protein change: p.Gly526Ser; replaces glycine 526 with serine.
Molecular consequence: missense variant.
Genome position (GRCh38, 1-based): chr11:21,370,879, G>A. VCF-style: chr11-21370879-G-A. GRCh37 (hg19) VCF-style: chr11-21392425-G-A.
Other names: c.1660G>A, p.Gly554Ser (NM_001288713.1); c.1405G>A, p.Gly469Ser (NM_001288714.1); c.1576G>A, p.Gly526Ser (NM_201551.2); short protein forms G469S, G526S, G554S.
Identifiers: ClinVar variation 2641687 (VCV002641687.24), dbSNP rs8176788, ClinGen allele CA5922444.
Genomic context (GRCh38, chr11:21,370,879, plus strand): 5'-TATCTAAGATAAATACTTTGTTCTCTTGCAACAGCTTTCTGTGAAGAGGGCTGCAGATAC[G>A]GTGGAACGTGTGTGGCTCCCAACAAATGTGTCTGTCCATCTGGATTCACAGGAAGCCACT-3'
Protein context (NP_006148.2, residues 516-536): RAFCEEGCRY[Gly526Ser]GTCVAPNKCV

ClinVar aggregate classification (germline): Benign (1 of 4 stars; one submission).

Allele frequency attached by ClinVar (database versions not stated): ESP Exome Variant Server 0.00031; TOPMed 0.00048; gnomAD 0.00050; ExAC 0.00072; gnomAD exomes 0.00083; 1000 Genomes Project 30x 0.00109; 1000 Genomes Project 0.00140.
gnomAD v4.1: 1,312 of 1,611,744 alleles (0.081%); highest among the groups gnomAD compares: South Asian, 0.19%; 3 homozygotes.

Submission:

CeGaT Center for Human Genetics Tuebingen
Classification: Benign. Last evaluated: 2022-08-01. Review status: criteria provided, single submitter. Criteria: CeGaT Center For Human Genetics Tuebingen Variant Classification Criteria Version 2. Collection method: clinical testing. Allele origin: germline. Affected: yes. Observed: 1 variant allele.
Comment: NELL1: BS1, BS2